The following is an entry in ClinVar:

ClinVar aggregate classification (germline): Uncertain significance (1 of 4 stars; one submission).

Conditions:
Familial adenomatous polyposis 1 (FAP1). Also called: FAMILIAL ADENOMATOUS POLYPOSIS 1, ATTENUATED; POLYPOSIS, ADENOMATOUS INTESTINAL. Identifiers: MedGen C2713442, MONDO:0021056, OMIM 175100. Disease mechanism: loss of function.

Submission:

Labcorp Genetics (formerly Invitae), Labcorp
Classification: Uncertain significance for Familial adenomatous polyposis 1. Last evaluated: 2023-10-06. Review status: criteria provided, single submitter. Criteria: Invitae Variant Classification Sherloc (09022015). Collection method: clinical testing. Allele origin: germline.
Comment: This sequence change creates a premature translational stop signal (p.Thr2820Metfs*21) in the APC gene. While this is not anticipated to result in nonsense mediated decay, it is expected to disrupt the last 24 amino acid(s) of the APC protein. This variant is not present in population databases (gnomAD no frequency). This variant has not been reported in the literature in individuals affected with APC-related conditions. ClinVar contains an entry for this variant (Variation ID: 1465684). Experimental studies and prediction algorithms are not available or were not evaluated, and the functional significance of this variant is currently unknown. In summary, the available evidence is currently insufficient to determine the role of this variant in disease. Therefore, it has been classified as a Variant of Uncertain Significance.

NM_000038.6(APC):c.8459del (p.Thr2820fs)

Gene: APC (APC regulator of Wnt signaling pathway; plus strand). Cytogenetic location: 5q22.2.
Variant type: Deletion.
Coding change: c.8459del on transcript NM_000038.6 (MANE Select); coding-DNA position 8459, one base deleted (C; older notation c.8459delC).
Protein change: p.Thr2820fs; shifts the reading frame from threonine 2820.
Molecular consequence: frameshift variant.
Genome position (GRCh38, 1-based): chr5:112,844,053, C deleted. VCF-style (leftmost placement, unchanged base first): chr5-112844052-AC-A. GRCh37 (hg19) VCF-style: chr5-112179749-AC-A.
Other names: c.8459del, p.Thr2820fs (NM_001127510.3, NM_001354895.2); c.8405del, p.Thr2802fs (NM_001127511.3); c.8513del, p.Thr2838fs (NM_001354896.2); c.8489del, p.Thr2830fs (NM_001354897.2); c.8384del, p.Thr2795fs (NM_001354898.2); c.8375del, p.Thr2792fs (NM_001354899.2); c.8336del, p.Thr2779fs (NM_001354900.2); c.8282del, p.Thr2761fs (NM_001354901.2); and 5 more; short protein forms T2660fs, T2719fs, T2779fs, T2838fs, T2537fs, T2694fs, T2729fs, T2761fs.
Identifiers: ClinVar variation 1465684 (VCV001465684.6), dbSNP rs2150005780, ClinGen allele CA2573138689.